The following is an entry in ClinVar:

NM_018943.3(TUBA8):c.418A>C (p.Ser140Arg)

Gene: TUBA8 (tubulin alpha 8; plus strand). Cytogenetic location: 22q11.21.
Variant type: single nucleotide variant.
Coding change: c.418A>C on transcript NM_018943.3 (MANE Select); coding-DNA position 418, A replaced by C.
Protein change: p.Ser140Arg; replaces serine 140 with arginine.
Molecular consequence: missense variant.
Genome position (GRCh38, 1-based): chr22:18,126,396, A>C. VCF-style: chr22-18126396-A-C. GRCh37 (hg19) VCF-style: chr22-18609163-A-C.
Other names: c.220A>C, p.Ser74Arg (NM_001193414.2); short protein forms S140R, S74R.
Identifiers: ClinVar variation 4772051 (VCV004772051.1).

ClinVar aggregate classification (germline): Uncertain significance (1 of 4 stars; one submission).

gnomAD v4.1: 3 of 1,613,908 alleles (0.00019%); highest among the groups gnomAD compares: Non-Finnish European, 0.00025%; no homozygotes.

Submission:

Labcorp Genetics (formerly Invitae), Labcorp
Classification: Uncertain significance. Last evaluated: 2026-01-11. Review status: criteria provided, single submitter. Criteria: Invitae Variant Classification Sherloc (09022015). Collection method: clinical testing. Allele origin: germline.
Comment: This sequence change replaces serine, which is neutral and polar, with arginine, which is basic and polar, at codon 140 of the TUBA8 protein (p.Ser140Arg). This variant is not present in population databases (gnomAD no frequency). This variant has not been reported in the literature in individuals affected with TUBA8-related conditions. Invitae Evidence Modeling of protein sequence and biophysical properties (such as structural, functional, and spatial information, amino acid conservation, physicochemical variation, residue mobility, and thermodynamic stability) indicates that this missense variant is expected to disrupt TUBA8 protein function with a positive predictive value of 80%. In summary, the available evidence is currently insufficient to determine the role of this variant in disease. Therefore, it has been classified as a Variant of Uncertain Significance.